The following is an entry in ClinVar:

ClinVar aggregate classification (germline): Pathogenic (1 of 4 stars; one submission).

Conditions:
Inborn genetic diseases. Identifiers: MedGen C0950123, MeSH D030342.

Submission:

Ambry Genetics
Classification: Pathogenic for Inborn genetic diseases. Last evaluated: 2025-08-08. Review status: criteria provided, single submitter. Criteria: Ambry Variant Classification Scheme 2023. Collection method: clinical testing. Allele origin: germline.
Comment: The c.2440G>C (p.G814R) alteration is located in exon 31 (coding exon 31) of the COL4A1 gene. This alteration results from a G to C substitution at nucleotide position 2440, causing the glycine (G) at amino acid position 814 to be replaced by an arginine (R). This variant was not reported in population-based cohorts in the Genome Aggregation Database (gnomAD). Another variant resulting in the same amino acid change (c.2440G>A) has been identified in an individual with features consistent with COL4A1-related disorders (M&ouml;nk&auml;re, 2021). Additionally, a different variant at the same codon, c.2441G>T (p.G814V), has been identified in an individual with features consistent with COL4A1-related disorders (Wang, 2020). This amino acid position is highly conserved in available vertebrate species. This alteration is predicted to be deleterious by in silico analysis. Based on the available evidence, this alteration is classified as pathogenic.

Literature cited by the submitters: PubMed 32446163; PubMed 33268848.

NM_001845.6(COL4A1):c.2440G>C (p.Gly814Arg)

Gene: COL4A1 (collagen type IV alpha 1 chain; minus strand). Cytogenetic location: 13q34.
Variant type: single nucleotide variant.
Coding change: c.2440G>C on transcript NM_001845.6 (MANE Select); coding-DNA position 2440, G replaced by C.
Protein change: p.Gly814Arg; replaces glycine 814 with arginine.
Molecular consequence: missense variant.
Genome position (GRCh38, 1-based): chr13:110,178,941, C>G on the plus strand (G>C on the coding strand, the complement: COL4A1 is on the minus strand). VCF-style: chr13-110178941-C-G. GRCh37 (hg19) VCF-style: chr13-110831288-C-G.
Other names: short protein forms G814R.
Identifiers: ClinVar variation 4232253 (VCV004232253.1).